The following is an entry in ClinVar:

NM_001165963.4(SCN1A):c.4876G>T (p.Glu1626Ter)

Genes: SCN1A (sodium voltage-gated channel alpha subunit 1; minus strand), LOC102724058 (uncharacterized LOC102724058; plus strand). Cytogenetic location: 2q24.3.
Variant type: single nucleotide variant.
Coding change: c.4876G>T on transcript NM_001165963.4 (MANE Select); coding-DNA position 4876, G replaced by T.
Protein change: p.Glu1626Ter; replaces glutamic acid 1626 with a stop codon.
Molecular consequence: nonsense. On other transcripts: non-coding transcript variant (1).
Genome position (GRCh38, 1-based): chr2:165,992,399, C>A on the plus strand (G>T on the coding strand, the complement: SCN1A is on the minus strand). VCF-style: chr2-165992399-C-A. GRCh37 (hg19) VCF-style: chr2-166848909-C-A.
Other names: c.4792G>T, p.Glu1598Ter (NM_001165964.3, NM_001353957.2, NM_001353958.2); c.4876G>T, p.Glu1626Ter (NM_001202435.3, NM_001353948.2); c.4843G>T, p.Glu1615Ter (NM_001353949.2, NM_001353950.2, NM_001353951.2 and 2 more transcripts); c.4840G>T, p.Glu1614Ter (NM_001353954.2, NM_001353955.2); c.4789G>T, p.Glu1597Ter (NM_001353960.2); c.2434G>T, p.Glu812Ter (NM_001353961.2); short protein forms E1597*, E1598*, E1614*, E1615*, E1626*, E812*.
Identifiers: ClinVar variation 3772555 (VCV003772555.13).

ClinVar aggregate classification (germline): Likely pathogenic (1 of 4 stars; one submission).

Submission:

CeGaT Center for Human Genetics Tuebingen
Classification: Likely pathogenic. Last evaluated: 2025-02-01. Review status: criteria provided, single submitter. Criteria: CeGaT Center For Human Genetics Tuebingen Variant Classification Criteria Version 2. Collection method: clinical testing. Allele origin: germline. Affected: yes. Observed: 1 variant allele.
Comment: SCN1A: PVS1:Strong, PM2